The following is an entry in ClinVar:

NM_006204.4(PDE6C):c.1759T>C (p.Tyr587His)

Gene: PDE6C (phosphodiesterase 6C; plus strand). Cytogenetic location: 10q23.33.
Variant type: single nucleotide variant.
Coding change: c.1759T>C on transcript NM_006204.4 (MANE Select); coding-DNA position 1759, T replaced by C.
Protein change: p.Tyr587His; replaces tyrosine 587 with histidine.
Molecular consequence: missense variant.
Genome position (GRCh38, 1-based): chr10:93,640,941, T>C. VCF-style: chr10-93640941-T-C. GRCh37 (hg19) VCF-style: chr10-95400698-T-C.
Other names: short protein forms Y587H.
Identifiers: ClinVar variation 1041037 (VCV001041037.9), dbSNP rs2058556639, ClinGen allele CA377619028.

ClinVar aggregate classification (germline): Uncertain significance. Review status: criteria provided, multiple submitters, no conflicts (2 of 4 stars). 2 submissions from 2 submitters: Uncertain significance (2). Last evaluated 2022-03-19.

Allele frequency attached by ClinVar (database versions not stated): gnomAD exomes 0.00001.
gnomAD v4.1: 15 of 1,608,964 alleles (0.00093%); highest among the groups gnomAD compares: Non-Finnish European, 0.0013%; no homozygotes.

Submissions (2):

Labcorp Genetics (formerly Invitae), Labcorp
Classification: Uncertain significance. Last evaluated: 2022-03-19. Review status: criteria provided, single submitter. Criteria: Invitae Variant Classification Sherloc (09022015). Collection method: clinical testing. Allele origin: germline.
Comment: In summary, the available evidence is currently insufficient to determine the role of this variant in disease. Therefore, it has been classified as a Variant of Uncertain Significance. Algorithms developed to predict the effect of missense changes on protein structure and function are either unavailable or do not agree on the potential impact of this missense change (SIFT: "Deleterious"; PolyPhen-2: "Probably Damaging"; Align-GVGD: "Class C0"). ClinVar contains an entry for this variant (Variation ID: 1041037). This variant has not been reported in the literature in individuals affected with PDE6C-related conditions. This variant is not present in population databases (gnomAD no frequency). This sequence change replaces tyrosine, which is neutral and polar, with histidine, which is basic and polar, at codon 587 of the PDE6C protein (p.Tyr587His).

Blueprint Genetics
Classification: Uncertain significance. Last evaluated: 2017-09-19. Review status: criteria provided, single submitter. Criteria: ACMG Guidelines, 2015. Collection method: clinical testing. Allele origin: germline.